The following is an entry in ClinVar:

NM_002230.4(JUP):c.2006C>G (p.Thr669Ser)

Gene: JUP (junction plakoglobin; minus strand). Cytogenetic location: 17q21.2.
Variant type: single nucleotide variant.
Coding change: c.2006C>G on transcript NM_002230.4 (MANE Select); coding-DNA position 2006, C replaced by G.
Protein change: p.Thr669Ser; replaces threonine 669 with serine.
Molecular consequence: missense variant.
Genome position (GRCh38, 1-based): chr17:41,757,455, G>C on the plus strand (C>G on the coding strand, the complement: JUP is on the minus strand). VCF-style: chr17-41757455-G-C. GRCh37 (hg19) VCF-style: chr17-39913707-G-C.
Other names: c.2006C>G, p.Thr669Ser (NM_001352773.2, NM_001352774.2, NM_001352775.2 and 3 more transcripts); short protein forms T669S.
Identifiers: ClinVar variation 4089553 (VCV004089553.1).
Genomic context (GRCh38, chr17:41,757,455, plus strand): 5'-GTCCAACCTAGGATACTCACAGCCTCCCAGGCAGCCGGGTCATGCTTGAAGAGGGAGTTG[G>C]TGAGCTCCACGGACACGCGCTTCCGGTAGTCTGGGTTCTTGTCCTCGGAGATGCGGAACA-3'
Protein context (NP_002221.1, residues 659-679): DYRKRVSVEL[Thr669Ser]NSLFKHDPAA

ClinVar aggregate classification (germline): Uncertain significance (1 of 4 stars; one submission).

Conditions:
Cardiovascular phenotype. Identifiers: MedGen CN230736.

Submission:

Ambry Genetics
Classification: Uncertain significance for Cardiovascular phenotype. Last evaluated: 2025-07-13. Review status: criteria provided, single submitter. Criteria: Ambry Variant Classification Scheme 2023. Collection method: clinical testing. Allele origin: germline.
Comment: The p.T669S variant (also known as c.2006C>G), located in coding exon 11 of the JUP gene, results from a C to G substitution at nucleotide position 2006. The threonine at codon 669 is replaced by serine, an amino acid with similar properties. This amino acid position is conserved. In addition, the in silico prediction for this alteration is inconclusive. Based on the available evidence, the clinical significance of this variant remains unclear.